The following is an entry in ClinVar:

ClinVar aggregate classification (germline): Uncertain significance. Review status: criteria provided, multiple submitters, no conflicts (2 of 4 stars). 2 submissions from 2 submitters: Uncertain significance (2). Last evaluated 2024-10-19.

Conditions:
EEF1A2-related disorder. Also called: EEF1A2-related disorders; EEF1A2-related condition.
Developmental and epileptic encephalopathy, 33 (DEE33). Also called: Epileptic encephalopathy, early infantile, 33. Identifiers: Orphanet 442835, MedGen C4225337, MONDO:0014625, OMIM 616409.

Allele frequency attached by ClinVar (database versions not stated): gnomAD exomes below 0.00001.
gnomAD v4.1: 3 of 1,607,310 alleles (0.00019%); highest among the groups gnomAD compares: Non-Finnish European, 0.00025%; no homozygotes.

Submissions (2):

PreventionGenetics, part of Exact Sciences
Classification: Uncertain significance for EEF1A2-related condition. Last evaluated: 2024-10-19. Review status: criteria provided, single submitter. Criteria: ACMG Guidelines, 2015. Collection method: clinical testing. Allele origin: germline.
Comment: The EEF1A2 c.327G>A variant is not predicted to result in an amino acid change (p.=). This variant is predicted to alter splicing based on available splicing prediction programs (SpliceAI, Jaganathan et al. 2019. PubMed ID: 30661751). To our knowledge, this variant has not been reported in the literature or in a large population database (gnomAD), indicating this variant is rare. At this time, the clinical significance of this variant is uncertain due to the absence of conclusive functional and genetic evidence.

Labcorp Genetics (formerly Invitae), Labcorp
Classification: Uncertain significance for Developmental and epileptic encephalopathy, 33. Last evaluated: 2023-11-02. Review status: criteria provided, single submitter. Criteria: Invitae Variant Classification Sherloc (09022015). Collection method: clinical testing. Allele origin: germline.
Comment: This sequence change affects codon 109 of the EEF1A2 mRNA. It is a 'silent' change, meaning that it does not change the encoded amino acid sequence of the EEF1A2 protein. This variant is not present in population databases (gnomAD no frequency). This variant has not been reported in the literature in individuals affected with EEF1A2-related conditions. Algorithms developed to predict the effect of sequence changes on RNA splicing suggest that this variant may create or strengthen a splice site. In summary, the available evidence is currently insufficient to determine the role of this variant in disease. Therefore, it has been classified as a Variant of Uncertain Significance.

NM_001958.5(EEF1A2):c.327G>A (p.Ala109=)

Gene: EEF1A2 (eukaryotic translation elongation factor 1 alpha 2; minus strand). Cytogenetic location: 20q13.33.
Variant type: single nucleotide variant.
Coding change: c.327G>A on transcript NM_001958.5 (MANE Select); coding-DNA position 327, G replaced by A.
Protein change: p.Ala109=; no amino-acid change (alanine 109 retained).
Molecular consequence: synonymous variant.
Genome position (GRCh38, 1-based): chr20:63,495,099, C>T on the plus strand (G>A on the coding strand, the complement: EEF1A2 is on the minus strand). VCF-style: chr20-63495099-C-T. GRCh37 (hg19) VCF-style: chr20-62126452-C-T.
Other names: c.327G>A (NM_001958.3).
Identifiers: ClinVar variation 2977068 (VCV002977068.4), dbSNP rs2516783581, ClinGen allele CA511340343.